The following is an entry in ClinVar:

NM_001040108.2(MLH3):c.3637G>A (p.Glu1213Lys)

Gene: MLH3 (mutL homolog 3; minus strand). Cytogenetic location: 14q24.3.
Variant type: single nucleotide variant.
Coding change: c.3637G>A on transcript NM_001040108.2 (MANE Select); coding-DNA position 3637, G replaced by A.
Protein change: p.Glu1213Lys; replaces glutamic acid 1213 with lysine.
Molecular consequence: missense variant.
Genome position (GRCh38, 1-based): chr14:75,038,346, C>T on the plus strand (G>A on the coding strand, the complement: MLH3 is on the minus strand). VCF-style: chr14-75038346-C-T. GRCh37 (hg19) VCF-style: chr14-75505049-C-T.
Other names: c.3637G>A, p.Glu1213Lys (NM_014381.3); short protein forms E1213K.
Identifiers: ClinVar variation 847280 (VCV000847280.24), dbSNP rs140899869, ClinGen allele CA7275401.

ClinVar aggregate classification (germline): Conflicting classifications of pathogenicity. Review status: criteria provided, conflicting classifications (1 of 4 stars). 5 submissions from 5 submitters: Uncertain significance (4); Likely benign (1). Last evaluated 2026-06-12.

Conditions:
Colorectal cancer, hereditary nonpolyposis, type 7. Identifiers: Orphanet 144, MedGen C1858380, MONDO:0013725, OMIM 614385.
Colorectal cancer. Also called: Malignant Colorectal Neoplasm; Colorectal cancer, somatic. Identifiers: MedGen C0346629, MONDO:0005575, OMIM 114500.
Endometrial carcinoma. Also called: Endometrial carcinoma, somatic. Identifiers: MedGen C0476089, MONDO:0002447, OMIM 608089, HP:0012114.

Allele frequency attached by ClinVar (database versions not stated): gnomAD 0.00014 and 0.00013; gnomAD exomes 0.00015 and 0.00011; ExAC 0.00007; TOPMed 0.00009; ESP Exome Variant Server 0.00008; 1000 Genomes Project 30x 0.00016; 1000 Genomes Project 0.00020.

Submissions (5):

Ambry Genetics
Classification: Likely benign. Last evaluated: 2026-06-12. Review status: criteria provided, single submitter. Criteria: Ambry Variant Classification Scheme 2023. Collection method: clinical testing. Allele origin: germline.

Center for Genomic Medicine, Rigshospitalet, Copenhagen University Hospital
Classification: Uncertain significance. Last evaluated: 2025-12-29. Review status: criteria provided, single submitter. Criteria: ACMG Guidelines, 2015. Collection method: clinical testing. Allele origin: germline.

Labcorp Genetics (formerly Invitae), Labcorp
Classification: Uncertain significance for Colorectal cancer, hereditary nonpolyposis, type 7. Last evaluated: 2025-07-31. Review status: criteria provided, single submitter. Criteria: Invitae Variant Classification Sherloc (09022015). Collection method: clinical testing. Allele origin: germline.
Comment: This sequence change replaces glutamic acid, which is acidic and polar, with lysine, which is basic and polar, at codon 1213 of the MLH3 protein (p.Glu1213Lys). This variant is present in population databases (rs140899869, gnomAD 0.02%). This variant has not been reported in the literature in individuals affected with MLH3-related conditions. ClinVar contains an entry for this variant (Variation ID: 847280). An algorithm developed to predict the effect of missense changes on protein structure and function outputs the following: PolyPhen-2: "Benign". The lysine amino acid residue is found in multiple mammalian species, which suggests that this missense change does not adversely affect protein function. In summary, the available evidence is currently insufficient to determine the role of this variant in disease. Therefore, it has been classified as a Variant of Uncertain Significance.

Department of Pathology and Laboratory Medicine, Sinai Health System
Classification: Uncertain significance for Colorectal cancer; Endometrial carcinoma; Colorectal cancer, hereditary nonpolyposis, type 7. Last evaluated: 2024-12-30. Review status: criteria provided, single submitter. Criteria: ACMG Guidelines, 2015. Collection method: clinical testing. Allele origin: germline.

Fulgent Genetics
Classification: Uncertain significance for Colorectal cancer; Endometrial carcinoma; Colorectal cancer, hereditary nonpolyposis, type 7. Last evaluated: 2024-01-18. Review status: criteria provided, single submitter. Criteria: ACMG Guidelines, 2015. Collection method: clinical testing. Allele origin: germline.